The following is an entry in ClinVar:

ClinVar aggregate classification (germline): Uncertain significance (1 of 4 stars; one submission).

Conditions:
Hypertrophic cardiomyopathy 14. Identifiers: MedGen C2750467, MONDO:0013197, OMIM 613251.

Allele frequency attached by ClinVar (database versions not stated): ExAC 0.00001; gnomAD exomes 0.00002.

Submission:

Labcorp Genetics (formerly Invitae), Labcorp
Classification: Uncertain significance for Hypertrophic cardiomyopathy 14. Last evaluated: 2016-05-01. Review status: criteria provided, single submitter. Criteria: Invitae Variant Classification Sherloc (09022015). Collection method: clinical testing. Allele origin: germline.
Comment: In summary, this variant is a rare missense change with uncertain impact on protein function. It is not expected to cause disease, but the available evidence is currently insufficient to prove that conclusively. Therefore, it has been classified as a Variant of Uncertain Significance. Algorithms developed to predict the effect of missense changes on protein structure and function do not agree on the potential impact of this missense change (SIFT: "Deleterious"; PolyPhen-2: "Benign"; Align-GVGD: "Class C0"). While this variant is present in population databases (rs769554911), the frequency information is unreliable, as metrics indicate poor data quality at this position in the ExAC database. This variant has not been reported in the literature in an individual with a MYH6-related disease. This sequence change replaces methionine with leucine at codon 1176 of the MYH6 protein (p.Met1176Leu). The methionine residue is weakly conserved and there is a small physicochemical difference between methionine and leucine.

NM_002471.4(MYH6):c.3526A>T (p.Met1176Leu)

Gene: MYH6 (myosin heavy chain 6; minus strand). Cytogenetic location: 14q11.2.
Variant type: single nucleotide variant.
Coding change: c.3526A>T on transcript NM_002471.4 (MANE Select); coding-DNA position 3526, A replaced by T.
Protein change: p.Met1176Leu; replaces methionine 1176 with leucine.
Molecular consequence: missense variant.
Genome position (GRCh38, 1-based): chr14:23,390,263, T>A on the plus strand (A>T on the coding strand, the complement: MYH6 is on the minus strand). VCF-style: chr14-23390263-T-A. GRCh37 (hg19) VCF-style: chr14-23859472-T-A.
Other names: short protein forms M1176L.
Identifiers: ClinVar variation 407157 (VCV000407157.8), dbSNP rs769554911, ClinGen allele CA7115155.